The following is an entry in ClinVar:

NM_000497.4(CYP11B1):c.13G>T (p.Ala5Ser)

Genes: CYP11B1 (cytochrome P450 family 11 subfamily B member 1; minus strand), LOC110673972 (CYP11B1 promoter; plus strand). Cytogenetic location: 8q24.3.
Variant type: single nucleotide variant.
Coding change: c.13G>T on transcript NM_000497.4 (MANE Select); coding-DNA position 13, G replaced by T.
Protein change: p.Ala5Ser; replaces alanine 5 with serine.
Molecular consequence: missense variant.
Genome position (GRCh38, 1-based): chr8:142,879,801, C>A on the plus strand (G>T on the coding strand, the complement: CYP11B1 is on the minus strand). VCF-style: chr8-142879801-C-A. GRCh37 (hg19) VCF-style: chr8-143961217-C-A.
Other names: c.13G>T, p.Ala5Ser (NM_001026213.1); short protein forms A5S.
Identifiers: ClinVar variation 3673445 (VCV003673445.2).

ClinVar aggregate classification (germline): Uncertain significance (1 of 4 stars; one submission).

Submission:

Labcorp Genetics (formerly Invitae), Labcorp
Classification: Uncertain significance. Last evaluated: 2024-05-14. Review status: criteria provided, single submitter. Criteria: Invitae Variant Classification Sherloc (09022015). Collection method: clinical testing. Allele origin: germline.
Comment: This sequence change replaces alanine, which is neutral and non-polar, with serine, which is neutral and polar, at codon 5 of the CYP11B1 protein (p.Ala5Ser). This variant is not present in population databases (gnomAD no frequency). This variant has not been reported in the literature in individuals affected with CYP11B1-related conditions. Advanced modeling of protein sequence and biophysical properties (such as structural, functional, and spatial information, amino acid conservation, physicochemical variation, residue mobility, and thermodynamic stability) performed at Invitae indicates that this missense variant is not expected to disrupt CYP11B1 protein function with a negative predictive value of 95%. In summary, the available evidence is currently insufficient to determine the role of this variant in disease. Therefore, it has been classified as a Variant of Uncertain Significance.